The following is an entry in ClinVar:

ClinVar aggregate classification (germline): Uncertain significance. Review status: criteria provided, multiple submitters, no conflicts (2 of 4 stars). 2 submissions from 2 submitters: Uncertain significance (2). Last evaluated 2024-05-14.

Conditions:
Inborn genetic diseases. Identifiers: MedGen C0950123, MeSH D030342.

Allele frequency attached by ClinVar (database versions not stated): gnomAD exomes 0.00001; gnomAD 0.00002; ExAC 0.00005.
gnomAD v4.1: 17 of 1,613,354 alleles (0.0011%); highest among the groups gnomAD compares: Admixed American, 0.0017%; no homozygotes.

Submissions (2):

GeneDx
Classification: Uncertain significance. Last evaluated: 2024-05-14. Review status: criteria provided, single submitter. Criteria: GeneDx Variant Classification Process June 2021. Collection method: clinical testing. Allele origin: germline. Affected: yes.
Comment: Not observed at significant frequency in large population cohorts (gnomAD); In silico analysis indicates that this missense variant does not alter protein structure/function; Has not been previously published as pathogenic or benign to our knowledge

Ambry Genetics
Classification: Uncertain significance for Inborn genetic diseases. Last evaluated: 2021-06-29. Review status: criteria provided, single submitter. Criteria: Ambry Variant Classification Scheme 2023. Collection method: clinical testing. Allele origin: germline.

NM_022089.4(ATP13A2):c.3043G>A (p.Val1015Met)

Gene: ATP13A2 (ATPase cation transporting 13A2; minus strand). Cytogenetic location: 1p36.13.
Variant type: single nucleotide variant.
Coding change: c.3043G>A on transcript NM_022089.4 (MANE Select); coding-DNA position 3043, G replaced by A.
Protein change: p.Val1015Met; replaces valine 1015 with methionine.
Molecular consequence: missense variant.
Genome position (GRCh38, 1-based): chr1:16,987,086, C>T on the plus strand (G>A on the coding strand, the complement: ATP13A2 is on the minus strand). VCF-style: chr1-16987086-C-T. GRCh37 (hg19) VCF-style: chr1-17313581-C-T.
Other names: c.3028G>A, p.Val1010Met (NM_001141973.3); c.2911G>A, p.Val971Met (NM_001141974.3); short protein forms V1010M, V1015M, V971M.
Identifiers: ClinVar variation 2347181 (VCV002347181.3), dbSNP rs200537435, ClinGen allele CA636634.